The following is an entry in ClinVar:

NC_000022.11:g.40346408C>A

Gene: ADSL (adenylosuccinate lyase; plus strand). Cytogenetic location: 22q13.1.
Variant type: single nucleotide variant.
Genome position: GRCh38 VCF-style: chr22-40346408-C-A. GRCh37 (hg19) VCF-style: chr22-40742412-C-A.
Identifiers: ClinVar variation 1424676 (VCV001424676.3), dbSNP rs962543409, ClinGen allele CA324446869.
Genomic context (GRCh38, chr22:40,346,408, plus strand): 5'-ATCATGTTTCTGGTCAAAGAAGCGAACCAAGTCAATTCTCAGGCAGAAGCAGCGGAGATT[C>A]TCCGCAGCCGGCAGCGCCCAGGGCGCCCGGAACCCAGAGAGCGAGACCGCGTGAAGGAAG-3'

ClinVar aggregate classification (germline): Uncertain significance (1 of 4 stars; one submission).

Conditions:
Adenylosuccinate lyase deficiency (ADSLD). Also called: ADSL DEFICIENCY. Identifiers: Orphanet 46, MedGen C0268126, MONDO:0007068, OMIM 103050.

Allele frequency attached by ClinVar (database versions not stated): gnomAD 0.00002.

Submission:

Labcorp Genetics (formerly Invitae), Labcorp
Classification: Uncertain significance for Adenylosuccinate lyase deficiency. Last evaluated: 2022-02-08. Review status: criteria provided, single submitter. Criteria: Invitae Variant Classification Sherloc (09022015). Collection method: clinical testing. Allele origin: germline.
Comment: This variant occurs in a non-coding region of the ADSL gene. It does not change the encoded amino acid sequence of the ADSL protein. This variant is not present in population databases (gnomAD no frequency). This variant has not been reported in the literature in individuals affected with ADSL-related conditions. Experimental studies and prediction algorithms are not available or were not evaluated, and the functional significance of this variant is currently unknown. In summary, the available evidence is currently insufficient to determine the role of this variant in disease. Therefore, it has been classified as a Variant of Uncertain Significance.